The following is an entry in ClinVar:

NM_133433.4(NIPBL):c.6893G>C (p.Arg2298Pro)

Gene: NIPBL (NIPBL cohesin loading factor; plus strand). Cytogenetic location: 5p13.2.
Variant type: single nucleotide variant.
Coding change: c.6893G>C on transcript NM_133433.4 (MANE Select); coding-DNA position 6893, G replaced by C.
Protein change: p.Arg2298Pro; replaces arginine 2298 with proline.
Molecular consequence: missense variant.
Genome position (GRCh38, 1-based): chr5:37,049,240, G>C. VCF-style: chr5-37049240-G-C. GRCh37 (hg19) VCF-style: chr5-37049342-G-C.
Other names: c.6893G>C, p.Arg2298Pro (NM_001438586.1, NM_015384.5); short protein forms R2298P.
Identifiers: ClinVar variation 4994032 (VCV004994032.1).

ClinVar aggregate classification (germline): Likely pathogenic (1 of 4 stars; one submission).

Conditions:
NIPBL-related disorder. Also called: NIPBL-related condition.

Submission:

PreventionGenetics, part of Exact Sciences
Classification: Likely pathogenic for NIPBL-related condition. Last evaluated: 2025-10-15. Review status: criteria provided, single submitter. Criteria: ACMG Guidelines, 2015. Collection method: clinical testing. Allele origin: germline.
Comment: The NIPBL c.6893G>C variant is predicted to result in the amino acid substitution p.Arg2298Pro. This variant has been reported in an individual with Cornelia de Lange syndrome (Kaur et al. 2023. PubMed ID: 37377026). In addition, other alternate missense substitutions at the same amino acid position (p.Arg2298His, p.Arg2298Cys, p.Arg2298Leu, p.Arg2298Ser and p.Arg2298Gly) have also been reported, in some cases as de novo, in individuals with Cornelia de Lange syndrome, suggesting the p.Arg2298 residue is important for NIPBL protein function (Kaur et al. 2023. PubMed ID: 37377026; Selicorni et al. 2007. PubMed ID: 17661813; Bhuiyan et al. 2006. PubMed ID: 16236812; Gillis et al. 2004. PubMed ID: 15318302). The c.6983G>C (p.Arg2298Pro) variant has not been reported in a large population database (gnomAD), indicating it is rare. This variant is interpreted as likely pathogenic.